The following is an entry in ClinVar:

ClinVar aggregate classification (germline): Uncertain significance (1 of 4 stars; one submission).

Conditions:
Inborn genetic diseases. Identifiers: MedGen C0950123, MeSH D030342.

Allele frequency attached by ClinVar (database versions not stated): gnomAD exomes below 0.00001.
gnomAD v4.1: 2 of 1,613,498 alleles (0.00012%); highest among the groups gnomAD compares: Non-Finnish European, 0.00017%; no homozygotes.

Submission:

Ambry Genetics
Classification: Uncertain significance for Inborn genetic diseases. Last evaluated: 2021-07-14. Review status: criteria provided, single submitter. Criteria: Ambry Variant Classification Scheme 2023. Collection method: clinical testing. Allele origin: germline.
Comment: The p.G324C variant (also known as c.970G>T), located in coding exon 9 of the ATL1 gene, results from a G to T substitution at nucleotide position 970. The glycine at codon 324 is replaced by cysteine, an amino acid with highly dissimilar properties. This amino acid position is conserved. In addition, this alteration is predicted to be deleterious by in silico analysis. Since supporting evidence is limited at this time, the clinical significance of this alteration remains unclear.

NM_015915.5(ATL1):c.970G>T (p.Gly324Cys)

Gene: ATL1 (atlastin GTPase 1; plus strand). Cytogenetic location: 14q22.1.
Variant type: single nucleotide variant.
Coding change: c.970G>T on transcript NM_015915.5 (MANE Select); coding-DNA position 970, G replaced by T.
Protein change: p.Gly324Cys; replaces glycine 324 with cysteine.
Molecular consequence: missense variant.
Genome position (GRCh38, 1-based): chr14:50,620,706, G>T. VCF-style: chr14-50620706-G-T. GRCh37 (hg19) VCF-style: chr14-51087424-G-T.
Other names: c.970G>T, p.Gly324Cys (NM_001127713.1, NM_181598.4); short protein forms G324C.
Identifiers: ClinVar variation 1767948 (VCV001767948.2), dbSNP rs2504557807, ClinGen allele CA389673347.
Genomic context (GRCh38, chr14:50,620,706, plus strand): 5'-CTACTTAGTCCCGAGAGCCTAGATATTAAAGAGATCAATGGGAATAAAATCACCTGCCGG[G>T]GTCTGGTGGAGTACTTCAAGGTATCACTCTCATTTCTAGAGCATTCGTGGGATAGATTTG-3'
Protein context (NP_056999.2, residues 314-334): EINGNKITCR[Gly324Cys]LVEYFKAYIK